The following is an entry in ClinVar:

ClinVar aggregate classification (germline): Uncertain significance. Review status: criteria provided, multiple submitters, no conflicts (2 of 4 stars). 3 submissions from 3 submitters: Uncertain significance (3). Last evaluated 2025-03-08.

Conditions:
Peutz-Jeghers syndrome (PJS). Also called: Peutz-Jeghers polyposis; Periorificial lentiginosis syndrome; POLYPOSIS, HAMARTOMATOUS INTESTINAL; POLYPS-AND-SPOTS SYNDROME. Identifiers: Orphanet 2869, MedGen C0031269, MeSH D010580, MONDO:0008280, OMIM 175200.
Hereditary cancer-predisposing syndrome. Also called: Neoplastic Syndromes, Hereditary; Hereditary Cancer Syndrome; Hereditary neoplastic syndrome; Tumor predisposition. Identifiers: Orphanet 140162, MedGen C0027672, MeSH D009386, MONDO:0015356.

Allele frequency attached by ClinVar (database versions not stated): gnomAD exomes below 0.00001.
gnomAD v4.1: 1 of 1,563,534 alleles (0.000064%); highest among the groups gnomAD compares: East Asian, 0.0027%; no homozygotes.

Submissions (3):

Ambry Genetics
Classification: Uncertain significance for Hereditary cancer-predisposing syndrome. Last evaluated: 2025-03-08. Review status: criteria provided, single submitter. Criteria: Ambry Variant Classification Scheme 2023. Collection method: clinical testing. Allele origin: germline.
Comment: The p.S142G variant (also known as c.424A>G), located in coding exon 3 of the STK11 gene, results from an A to G substitution at nucleotide position 424. The serine at codon 142 is replaced by glycine, an amino acid with similar properties. This amino acid position is highly conserved in available vertebrate species. In addition, the in silico prediction for this alteration is inconclusive. Since supporting evidence is limited at this time, the clinical significance of this alteration remains unclear.

Labcorp Genetics (formerly Invitae), Labcorp
Classification: Uncertain significance for Peutz-Jeghers syndrome. Last evaluated: 2024-05-16. Review status: criteria provided, single submitter. Criteria: Invitae Variant Classification Sherloc (09022015). Collection method: clinical testing. Allele origin: germline.
Comment: This sequence change replaces serine, which is neutral and polar, with glycine, which is neutral and non-polar, at codon 142 of the STK11 protein (p.Ser142Gly). The frequency data for this variant in the population databases is considered unreliable, as metrics indicate poor data quality at this position in the gnomAD database. This variant has not been reported in the literature in individuals affected with STK11-related conditions. ClinVar contains an entry for this variant (Variation ID: 824718). Advanced modeling of protein sequence and biophysical properties (such as structural, functional, and spatial information, amino acid conservation, physicochemical variation, residue mobility, and thermodynamic stability) has been performed at Invitae for this missense variant, however the output from this modeling did not meet the statistical confidence thresholds required to predict the impact of this variant on STK11 protein function. In summary, the available evidence is currently insufficient to determine the role of this variant in disease. Therefore, it has been classified as a Variant of Uncertain Significance.

All of Us Research Program, National Institutes of Health
Classification: Uncertain significance for Peutz-Jeghers syndrome. Last evaluated: 2023-06-26. Review status: criteria provided, single submitter. Criteria: ACMG Guidelines, 2015. Collection method: clinical testing. Allele origin: germline. Inheritance: Autosomal dominant inheritance. Observed: 1 variant allele, 1 heterozygote.
Comment: This missense variant replaces serine with glycine at codon 142 of the STK11 protein. Computational prediction suggests that this variant may not impact protein structure and function (internally defined REVEL score threshold <= 0.5, PMID: 27666373). To our knowledge, functional studies have not been reported for this variant. This variant has not been reported in individuals affected with STK11-related disorders in the literature. This variant has not been identified in the general population by the Genome Aggregation Database (gnomAD). The available evidence is insufficient to determine the role of this variant in disease conclusively. Therefore, this variant is classified as a Variant of Uncertain Significance.

This study involves interpretation of variants in research participants for the purpose of population health screening. Participant phenotype was not available at the time of variant classification. Additional details can be found in publication PMID: 35346344, PMCID: PMC8962531

NM_000455.5(STK11):c.424A>G (p.Ser142Gly)

Gene: STK11 (serine/threonine kinase 11; plus strand). Cytogenetic location: 19p13.3.
Variant type: single nucleotide variant.
Coding change: c.424A>G on transcript NM_000455.5 (MANE Select); coding-DNA position 424, A replaced by G.
Protein change: p.Ser142Gly; replaces serine 142 with glycine.
Molecular consequence: missense variant.
Genome position (GRCh38, 1-based): chr19:1,219,373, A>G. VCF-style: chr19-1219373-A-G. GRCh37 (hg19) VCF-style: chr19-1219372-A-G.
Other names: short protein forms S142G.
Identifiers: ClinVar variation 824718 (VCV000824718.11), dbSNP rs1213608514, ClinGen allele CA089378.